The following is an entry in ClinVar:

ClinVar aggregate classification (germline): Pathogenic/Likely pathogenic. Review status: criteria provided, multiple submitters, no conflicts (2 of 4 stars). 3 submissions from 3 submitters: Pathogenic (2); Likely pathogenic (1). Last evaluated 2023-08-04.

Conditions:
Inborn genetic diseases. Identifiers: MedGen C0950123, MeSH D030342.
Autosomal recessive distal spinal muscular atrophy 1. Also called: NEURONOPATHY, DISTAL HEREDITARY MOTOR, HARDING TYPE VI; NEUROPATHY, DISTAL HEREDITARY MOTOR, AUTOSOMAL RECESSIVE 1; NEURONOPATHY, SEVERE INFANTILE AXONAL, WITH RESPIRATORY FAILURE; SEVERE INFANTILE AXONAL NEUROPATHY WITH RESPIRATORY FAILURE; SPINAL MUSCULAR ATROPHY, DIAPHRAGMATIC; Spinal muscular atrophy with respiratory distress 1. Identifiers: Orphanet 98920, MedGen C1858517, MONDO:0011436, OMIM 604320.
Charcot-Marie-Tooth disease axonal type 2S. Also called: CHARCOT-MARIE-TOOTH DISEASE, AXONAL, AUTOSOMAL RECESSIVE, TYPE 2S; CHARCOT-MARIE-TOOTH NEUROPATHY, TYPE 2S. Identifiers: Orphanet 443073, MedGen C4015349, MONDO:0014511, OMIM 616155.

Allele frequency attached by ClinVar (database versions not stated): gnomAD exomes below 0.00001.

Submissions (3):

Labcorp Genetics (formerly Invitae), Labcorp
Classification: Pathogenic for Autosomal recessive distal spinal muscular atrophy 1; Charcot-Marie-Tooth disease axonal type 2S. Last evaluated: 2023-08-04. Review status: criteria provided, single submitter. Criteria: Invitae Variant Classification Sherloc (09022015). Collection method: clinical testing. Allele origin: germline.
Comment: This sequence change affects the initiator methionine of the IGHMBP2 mRNA. The next in-frame methionine is located at codon 338. This variant is not present in population databases (gnomAD no frequency). Disruption of the initiator codon has been observed in individuals with Charcot-Marie-Tooth disease or spinal muscular atrophy with respiratory distress (PMID: 26392352, 27450922). ClinVar contains an entry for this variant (Variation ID: 217448). This variant disrupts a region of the IGHMBP2 protein in which other variant(s) (p.Gly61Arg) have been determined to be pathogenic (Invitae). This suggests that this is a clinically significant region of the protein, and that variants that disrupt it are likely to be disease-causing. For these reasons, this variant has been classified as Pathogenic.

Department of Medical Genetics, Oslo University Hospital
Classification: Likely pathogenic for Autosomal recessive distal spinal muscular atrophy 1. Last evaluated: 2015-10-21. Review status: criteria provided, single submitter. Criteria: Pedurupillay CR et al. (Neuromuscul Disord. 2016). Collection method: research. Allele origin: germline. Inheritance: Autosomal recessive inheritance. Affected: yes. Observed: 1 homozygote. Segregation with disease observed.

Ambry Genetics
Classification: Pathogenic for Inborn genetic diseases. Last evaluated: 2015-06-02. Review status: criteria provided, single submitter. Criteria: Ambry exome assertion method (8-5-2015). Collection method: clinical testing. Allele origin: germline. Affected: yes. Observed: 1 variant allele.

Literature cited by the submitters: PubMed 26392352 (cited by Labcorp Genetics (formerly Invitae), Labcorp); PubMed 27450922 (cited by Labcorp Genetics (formerly Invitae), Labcorp).

NM_002180.3(IGHMBP2):c.2T>C (p.Met1Thr)

Gene: IGHMBP2 (immunoglobulin mu DNA binding protein 2; plus strand). Cytogenetic location: 11q13.3.
Variant type: single nucleotide variant.
Coding change: c.2T>C on transcript NM_002180.3 (MANE Select); coding-DNA position 2, T replaced by C.
Protein change: p.Met1Thr; changes the start codon (methionine 1).
Molecular consequence: missense variant, initiator codon variant.
Genome position (GRCh38, 1-based): chr11:68,903,954, T>C. VCF-style: chr11-68903954-T-C. GRCh37 (hg19) VCF-style: chr11-68671422-T-C.
Other names: short protein forms M1T.
Identifiers: ClinVar variation 217448 (VCV000217448.12), dbSNP rs886037759, ClinGen allele CA10575803.
Genomic context (GRCh38, chr11:68,903,954, plus strand): 5'-ACACCGGCCCGGCGCAGAAGCGGGACGTCGGCTTCTAGGGGCCCAGGCCGGCGGCGGCGA[T>C]GGCCTCGGCAGCTGTGGAGAGCTTCGTGACCAAGCAACTGGACCTGCTGGAGCTTGAGAG-3'
Protein context (NP_002171.2, residues 1-11): [Met1Thr]ASAAVESFVT